The following is an entry in ClinVar:

NM_000400.4(ERCC2):c.55C>G (p.Pro19Ala)

Gene: ERCC2 (ERCC excision repair 2, TFIIH core complex helicase subunit; minus strand). Cytogenetic location: 19q13.32.
Variant type: single nucleotide variant.
Coding change: c.55C>G on transcript NM_000400.4 (MANE Select); coding-DNA position 55, C replaced by G.
Protein change: p.Pro19Ala; replaces proline 19 with alanine.
Molecular consequence: missense variant. On other transcripts: 5 prime UTR variant (1).
Genome position (GRCh38, 1-based): chr19:45,370,183, G>C on the plus strand (C>G on the coding strand, the complement: ERCC2 is on the minus strand). VCF-style: chr19-45370183-G-C. GRCh37 (hg19) VCF-style: chr19-45873441-G-C.
Other names: c.-18C>G (NM_001130867.2); short protein forms P19A.
Identifiers: ClinVar variation 1748551 (VCV001748551.3), dbSNP rs1318658148, ClinGen allele CA406380027.

ClinVar aggregate classification (germline): Uncertain significance (1 of 4 stars; one submission).

Conditions:
Inborn genetic diseases. Identifiers: MedGen C0950123, MeSH D030342.

Submission:

Ambry Genetics
Classification: Uncertain significance for Inborn genetic diseases. Last evaluated: 2024-08-24. Review status: criteria provided, single submitter. Criteria: Ambry Variant Classification Scheme 2023. Collection method: clinical testing. Allele origin: germline.
Comment: The p.P19A variant (also known as c.55C>G), located in coding exon 2 of the ERCC2 gene, results from a C to G substitution at nucleotide position 55. The proline at codon 19 is replaced by alanine, an amino acid with highly similar properties. This amino acid position is conserved. In addition, this alteration is predicted to be deleterious by in silico analysis. Since supporting evidence is limited at this time, the clinical significance of this alteration remains unclear.